The following is an entry in ClinVar:

NM_001321120.2(TBX4):c.394A>C (p.Asn132His)

Gene: TBX4 (T-box transcription factor 4; plus strand). Cytogenetic location: 17q23.2.
Variant type: single nucleotide variant.
Coding change: c.394A>C on transcript NM_001321120.2 (MANE Select); coding-DNA position 394, A replaced by C.
Protein change: p.Asn132His; replaces asparagine 132 with histidine.
Molecular consequence: missense variant.
Genome position (GRCh38, 1-based): chr17:61,465,931, A>C. VCF-style: chr17-61465931-A-C. GRCh37 (hg19) VCF-style: chr17-59543292-A-C.
Other names: c.394A>C, p.Asn132His (NM_018488.3); short protein forms N132H.
Identifiers: ClinVar variation 4529961 (VCV004529961.1).

ClinVar aggregate classification (germline): Uncertain significance (1 of 4 stars; one submission).

Submission:

GeneDx
Classification: Uncertain significance. Last evaluated: 2025-05-12. Review status: criteria provided, single submitter. Criteria: GeneDx Variant Classification Process June 2021. Collection method: clinical testing. Allele origin: germline. Affected: yes.
Comment: Not observed at significant frequency in large population cohorts (gnomAD); In silico analysis supports that this missense variant has a deleterious effect on protein structure/function; Has not been previously published as pathogenic or benign to our knowledge